The following is an entry in ClinVar:

ClinVar aggregate classification (germline): Likely benign. Review status: criteria provided, single submitter (1 of 4 stars). 2 submissions from 1 submitter: Likely benign (2). Last evaluated 2018-01-13.

Conditions:
Retinitis pigmentosa (RP). Identifiers: Orphanet 791, MedGen C0035334, MeSH D012174, MONDO:0019200, OMIM 268000. Inheritance: Autosomal dominant, autosomal recessive and X linked inheritance.
Leber congenital amaurosis 14 (LCA14). Identifiers: MedGen C2750063, MONDO:0013231, OMIM 613341.

Allele frequency attached by ClinVar (database versions not stated): 1000 Genomes Project 0.01518; 1000 Genomes Project 30x 0.01640; TOPMed 0.02186; gnomAD 0.02595 and 0.02656.

Submissions (2):

Illumina Laboratory Services, Illumina
Classification: Likely benign for Leber congenital amaurosis 14. Last evaluated: 2018-01-13. Review status: criteria provided, single submitter. Criteria: ICSL Variant Classification Criteria 13 December 2019. Collection method: clinical testing. Allele origin: germline.
Comment: This variant was observed in the ICSL laboratory as part of a predisposition screen in an ostensibly healthy population. It had not been previously curated by ICSL or reported in the Human Gene Mutation Database (HGMD: prior to June 1st, 2018), and was therefore a candidate for classification through an automated scoring system. Utilizing variant allele frequency, disease prevalence and penetrance estimates, and inheritance mode, an automated score was calculated to assess if this variant is too frequent to cause the disease. Based on the score and internal cut-off values, a variant classified as likely benign is not then subjected to further curation. The score for this variant resulted in a classification of likely benign for this disease.

Illumina Laboratory Services, Illumina
Classification: Likely benign for Retinitis pigmentosa. Last evaluated: 2018-01-13. Review status: criteria provided, single submitter. Criteria: ICSL Variant Classification Criteria 13 December 2019. Collection method: clinical testing. Allele origin: germline.
Comment: the same text as in the submission from Illumina Laboratory Services, Illumina above.

NM_004744.5(LRAT):c.*3382G>A

Gene: LRAT (lecithin retinol acyltransferase; plus strand). Cytogenetic location: 4q32.1.
Variant type: single nucleotide variant.
Coding change: c.*3382G>A on transcript NM_004744.5 (MANE Select); 3382 bases downstream of the stop codon, G replaced by A.
Molecular consequence: 3 prime UTR variant.
Genome position (GRCh38, 1-based): chr4:154,752,518, G>A. VCF-style: chr4-154752518-G-A. GRCh37 (hg19) VCF-style: chr4-155673670-G-A.
Other names: c.*3382G>A (NM_001301645.2).
Identifiers: ClinVar variation 899854 (VCV000899854.4), dbSNP rs12500092, ClinGen allele CA108930971.